The following is an entry in ClinVar:

ClinVar aggregate classification (germline): Uncertain significance (1 of 4 stars; one submission).

Submission:

GeneDx
Classification: Uncertain significance. Last evaluated: 2026-03-04. Review status: criteria provided, single submitter. Criteria: GeneDx Variant Classification Process June 2021. Collection method: clinical testing. Allele origin: germline.
Comment: Not observed at significant frequency in large population cohorts (gnomAD); In silico analysis supports that this missense variant has a deleterious effect on protein structure/function; Has not been previously published as pathogenic or benign to our knowledge

NM_001378974.1(FBXW11):c.962C>G (p.Ser321Cys)

Gene: FBXW11 (F-box and WD repeat domain containing 11; minus strand). Cytogenetic location: 5q35.1.
Variant type: single nucleotide variant.
Coding change: c.962C>G on transcript NM_001378974.1 (MANE Select); coding-DNA position 962, C replaced by G.
Protein change: p.Ser321Cys; replaces serine 321 with cysteine.
Molecular consequence: missense variant.
Genome position (GRCh38, 1-based): chr5:171,878,020, G>C on the plus strand (C>G on the coding strand, the complement: FBXW11 is on the minus strand). VCF-style: chr5-171878020-G-C. GRCh37 (hg19) VCF-style: chr5-171305024-G-C.
Other names: c.893C>G, p.Ser298Cys (NM_001378975.1); c.866C>G, p.Ser289Cys (NM_001378976.1); c.803C>G, p.Ser268Cys (NM_001378977.1, NM_001378978.1, NM_001378979.1); c.797C>G, p.Ser266Cys (NM_001378980.1, NM_033645.3); c.899C>G, p.Ser300Cys (NM_012300.3); c.860C>G, p.Ser287Cys (NM_033644.3); short protein forms S287C, S289C, S300C, S298C, S266C, S268C, S321C.
Identifiers: ClinVar variation 5008186 (VCV005008186.1).